The following is an entry in ClinVar:

NM_001367624.2(ZNF469):c.8534G>C (p.Ser2845Thr)

Gene: ZNF469 (zinc finger protein 469; plus strand). Cytogenetic location: 16q24.2.
Variant type: single nucleotide variant.
Coding change: c.8534G>C on transcript NM_001367624.2 (MANE Select); coding-DNA position 8534, G replaced by C.
Protein change: p.Ser2845Thr; replaces serine 2845 with threonine.
Molecular consequence: missense variant.
Genome position (GRCh38, 1-based): chr16:88,436,004, G>C. VCF-style: chr16-88436004-G-C. GRCh37 (hg19) VCF-style: chr16-88502412-G-C.
Other names: NM_001127464.1:c.8450G>C; short protein forms S2845T.
Identifiers: ClinVar variation 3232865 (VCV003232865.1), dbSNP rs1012441790, ClinGen allele CA397118401.
Genomic context (GRCh38, chr16:88,436,004, plus strand): 5'-CAGACACCCAGGGTGGAGTCCAGGGGCCTGAAGGCCCCACTCCTGATGCCTCTGGCTCCA[G>C]TGCCAAGGATCCTCCAAGCTTGTTTGATGATGAGGTCTCTTTCTCCCAGCTCTTCCCTCC-3'
Protein context (NP_001354553.1, residues 2835-2855): EGPTPDASGS[Ser2845Thr]AKDPPSLFDD

ClinVar aggregate classification (germline): Uncertain significance (1 of 4 stars; one submission).

Conditions:
Cardiovascular phenotype. Identifiers: MedGen CN230736.

Submission:

Ambry Genetics
Classification: Uncertain significance for Cardiovascular phenotype. Last evaluated: 2023-11-23. Review status: criteria provided, single submitter. Criteria: Ambry Variant Classification Scheme 2023. Collection method: clinical testing. Allele origin: germline.
Comment: The p.S2817T variant (also known as c.8450G>C), located in coding exon 2 of the ZNF469 gene, results from a G to C substitution at nucleotide position 8450. The serine at codon 2817 is replaced by threonine, an amino acid with similar properties. This amino acid position is conserved. In addition, this alteration is predicted to be tolerated by in silico analysis. Since supporting evidence is limited at this time, the clinical significance of this alteration remains unclear.